The following is an entry in ClinVar:

ClinVar aggregate classification (germline): Uncertain significance (1 of 4 stars; one submission).

Allele frequency attached by ClinVar (database versions not stated): gnomAD exomes below 0.00001 and 0.00001; gnomAD 0.00001; TOPMed 0.00001.

Submission:

Labcorp Genetics (formerly Invitae), Labcorp
Classification: Uncertain significance. Last evaluated: 2022-06-04. Review status: criteria provided, single submitter. Criteria: Invitae Variant Classification Sherloc (09022015). Collection method: clinical testing. Allele origin: germline.
Comment: This variant is present in population databases (no rsID available, gnomAD 0.01%). In summary, the available evidence is currently insufficient to determine the role of this variant in disease. Therefore, it has been classified as a Variant of Uncertain Significance. Advanced modeling of protein sequence and biophysical properties (such as structural, functional, and spatial information, amino acid conservation, physicochemical variation, residue mobility, and thermodynamic stability) performed at Invitae indicates that this missense variant is expected to disrupt TPP1 protein function. ClinVar contains an entry for this variant (Variation ID: 960462). This variant has not been reported in the literature in individuals affected with TPP1-related conditions. This sequence change replaces proline, which is neutral and non-polar, with serine, which is neutral and polar, at codon 554 of the TPP1 protein (p.Pro554Ser).

NM_000391.4(TPP1):c.1660C>T (p.Pro554Ser)

Gene: TPP1 (tripeptidyl peptidase 1; minus strand). Cytogenetic location: 11p15.4.
Variant type: single nucleotide variant.
Coding change: c.1660C>T on transcript NM_000391.4 (MANE Select); coding-DNA position 1660, C replaced by T.
Protein change: p.Pro554Ser; replaces proline 554 with serine.
Molecular consequence: missense variant.
Genome position (GRCh38, 1-based): chr11:6,614,578, G>A on the plus strand (C>T on the coding strand, the complement: TPP1 is on the minus strand). VCF-style: chr11-6614578-G-A. GRCh37 (hg19) VCF-style: chr11-6635809-G-A.
Other names: short protein forms P554S.
Identifiers: ClinVar variation 960462 (VCV000960462.7), dbSNP rs868090227, ClinGen allele CA217320775.
Genomic context (GRCh38, chr11:6,614,578, plus strand): 5'-ACAAGCCATCTCTCCTGATAGGAAAGGGTCAGGGGTTGAGTAGAGTCTTCAGCAAAGCTG[G>A]GAAGTTGGGTGTTCCCCAGCCTGTTACAGGATCCCAGCCAGGACCAGAGCAGAAACCCTG-3'
Protein context (NP_000382.3, residues 544-563): PVTGWGTPNF[Pro554Ser]ALLKTLLNP